The following is an entry in ClinVar:

ClinVar aggregate classification (germline): Uncertain significance (1 of 4 stars; one submission).

Conditions:
Developmental and epileptic encephalopathy, 9 (DEE9). Also called: Early infantile epileptic encephalopathy 9; EPILEPSY, FEMALE-RESTRICTED, WITH MENTAL RETARDATION; JUBERG-HELLMAN SYNDROME; PCDH19-Related X-Linked Female-Limited Epilepsy with Mental Retardation. Identifiers: Orphanet 101039, Orphanet 2076, MedGen C1848137, MONDO:0010246, OMIM 300088. Disease mechanism: loss of function.

Submission:

Labcorp Genetics (formerly Invitae), Labcorp
Classification: Uncertain significance for Developmental and epileptic encephalopathy, 9. Last evaluated: 2023-05-04. Review status: criteria provided, single submitter. Criteria: Invitae Variant Classification Sherloc (09022015). Collection method: clinical testing. Allele origin: germline.
Comment: In summary, the available evidence is currently insufficient to determine the role of this variant in disease. Therefore, it has been classified as a Variant of Uncertain Significance. Advanced modeling of protein sequence and biophysical properties (such as structural, functional, and spatial information, amino acid conservation, physicochemical variation, residue mobility, and thermodynamic stability) has been performed at Invitae for this missense variant, however the output from this modeling did not meet the statistical confidence thresholds required to predict the impact of this variant on PCDH19 protein function. This variant has not been reported in the literature in individuals affected with PCDH19-related conditions. This variant is not present in population databases (gnomAD no frequency). This sequence change replaces glycine, which is neutral and non-polar, with aspartic acid, which is acidic and polar, at codon 538 of the PCDH19 protein (p.Gly538Asp).

NM_001184880.2(PCDH19):c.1613G>A (p.Gly538Asp)

Gene: PCDH19 (protocadherin 19; minus strand). Cytogenetic location: Xq22.1.
Variant type: single nucleotide variant.
Coding change: c.1613G>A on transcript NM_001184880.2 (MANE Select); coding-DNA position 1613, G replaced by A.
Protein change: p.Gly538Asp; replaces glycine 538 with aspartic acid.
Molecular consequence: missense variant.
Genome position (GRCh38, 1-based): chrX:100,406,985, C>T on the plus strand (G>A on the coding strand, the complement: PCDH19 is on the minus strand). VCF-style: chrX-100406985-C-T. GRCh37 (hg19) VCF-style: chrX-99661983-C-T.
Other names: c.1613G>A, p.Gly538Asp (NM_001105243.2, NM_020766.3); short protein forms G538D.
Identifiers: ClinVar variation 2861955 (VCV002861955.3), dbSNP rs2520980449, ClinGen allele CA414002336.